The following is an entry in ClinVar:

NM_000179.3(MSH6):c.3179del (p.Leu1060fs)

Gene: MSH6 (mutS homolog 6; plus strand). Cytogenetic location: 2p16.3.
Variant type: Deletion.
Coding change: c.3179del on transcript NM_000179.3 (MANE Select); coding-DNA position 3179, one base deleted (T; older notation c.3179delT).
Protein change: p.Leu1060fs; shifts the reading frame from leucine 1060.
Molecular consequence: frameshift variant.
Genome position (GRCh38, 1-based): chr2:47,803,426, T deleted; the last of 4 consecutive T bases (chr2:47,803,423-47,803,426); deleting any one gives the same sequence. VCF-style (leftmost placement, unchanged base first): chr2-47803422-GT-G. GRCh37 (hg19) VCF-style: chr2-48030561-GT-G.
Other names: c.3275delT, p.Leu1092Tyrfs (NM_001406802.1, NM_001406795.1); c.2789del, p.Leu930fs (NM_001281492.2); c.2273del, p.Leu758fs (NM_001281493.2, NM_001281494.2); c.3179delT, p.Leu1060Tyrfs (NM_001406796.1, NM_001406800.1, NM_001406808.1 and 1 more transcripts); c.2882delT, p.Leu961Tyrfs (NM_001406797.1, NM_001406801.1, NM_001406805.1 and 10 more transcripts); c.2654delT, p.Leu885Tyrfs (NM_001406799.1, NM_001406806.1, NM_001406807.1); c.2315delT, p.Leu772Tyrfs (NM_001406803.1); c.3101delT, p.Leu1034Tyrfs (NM_001406804.1); and 7 more; short protein forms L1060fs, L758fs, L930fs.
Identifiers: ClinVar variation 1728504 (VCV001728504.5), dbSNP rs2530757717, ClinGen allele CA2580066929.

ClinVar aggregate classification (germline): Pathogenic. Review status: criteria provided, multiple submitters, no conflicts (2 of 4 stars). 2 submissions from 2 submitters: Pathogenic (2). Last evaluated 2023-07-28.

Conditions:
Hereditary cancer-predisposing syndrome. Also called: Tumor predisposition; Neoplastic Syndromes, Hereditary; Hereditary Cancer Syndrome; Hereditary neoplastic syndrome. Identifiers: Orphanet 140162, MedGen C0027672, MeSH D009386, MONDO:0015356.
Hereditary nonpolyposis colorectal neoplasms. Identifiers: MedGen C0009405, MeSH D003123.

Submissions (2):

Labcorp Genetics (formerly Invitae), Labcorp
Classification: Pathogenic for Hereditary nonpolyposis colorectal neoplasms. Last evaluated: 2023-07-28. Review status: criteria provided, single submitter. Criteria: Invitae Variant Classification Sherloc (09022015). Collection method: clinical testing. Allele origin: germline.
Comment: This sequence change creates a premature translational stop signal (p.Leu1060Tyrfs*19) in the MSH6 gene. It is expected to result in an absent or disrupted protein product. Loss-of-function variants in MSH6 are known to be pathogenic (PMID: 18269114, 24362816). This variant is not present in population databases (gnomAD no frequency). This variant has not been reported in the literature in individuals affected with MSH6-related conditions. ClinVar contains an entry for this variant (Variation ID: 1728504). For these reasons, this variant has been classified as Pathogenic.

Ambry Genetics
Classification: Pathogenic for Hereditary cancer-predisposing syndrome. Last evaluated: 2020-12-01. Review status: criteria provided, single submitter. Criteria: Ambry Variant Classification Scheme 2023. Collection method: clinical testing. Allele origin: germline.
Comment: The c.3179delT pathogenic mutation, located in coding exon 5 of the MSH6 gene, results from a deletion of one nucleotide at nucleotide position 3179, causing a translational frameshift with a predicted alternate stop codon (p.L1060Yfs*19). This alteration is expected to result in loss of function by premature protein truncation or nonsense-mediated mRNA decay. As such, this alteration is interpreted as a disease-causing mutation.

Literature cited by the submitters: PubMed 18269114 (cited by Labcorp Genetics (formerly Invitae), Labcorp); PubMed 24362816 (cited by Labcorp Genetics (formerly Invitae), Labcorp).